The following is an entry in ClinVar:

ClinVar aggregate classification (germline): Benign. Review status: criteria provided, multiple submitters, no conflicts (2 of 4 stars). 9 submissions from 9 submitters: Benign (9). Last evaluated 2026-02-02.

Conditions:
Combined immunodeficiency due to DOCK8 deficiency (HIES2). Also called: HIES autosomal recessive; HYPER-IgE RECURRENT INFECTION SYNDROME 2, AUTOSOMAL RECESSIVE; DOCK8 Deficiency; Hyper-IgE recurrent infection syndrome, autosomal recessive; HYPER-IgE SYNDROME 2, AUTOSOMAL RECESSIVE, WITH RECURRENT INFECTIONS. Identifiers: Orphanet 217390, MedGen C4722305, MONDO:0009478, OMIM 243700.

Allele frequency attached by ClinVar (database versions not stated): 1000 Genomes Project 30x 0.00547; TOPMed 0.00581; gnomAD 0.00615 and 0.00659; 1000 Genomes Project 0.00619; ESP Exome Variant Server 0.00661; gnomAD exomes 0.00879; ExAC 0.00902.
gnomAD v4.1: 13,183 of 1,613,488 alleles (0.82%); highest among the groups gnomAD compares: South Asian, 2.2%; 92 homozygotes.

Submissions (9):

Labcorp Genetics (formerly Invitae), Labcorp
Classification: Benign for Combined immunodeficiency due to DOCK8 deficiency. Last evaluated: 2026-02-02. Review status: criteria provided, single submitter. Criteria: Invitae Variant Classification Sherloc (09022015). Collection method: clinical testing. Allele origin: germline.

Women's Health and Genetics/Laboratory Corporation of America, LabCorp
Classification: Benign. Last evaluated: 2026-01-23. Review status: criteria provided, single submitter. Criteria: LabCorp Variant Classification Summary - May 2015. Collection method: clinical testing. Allele origin: germline.

Blueprint Genetics
Classification: Benign. Last evaluated: 2024-11-27. Review status: criteria provided, single submitter. Criteria: ACMG Guidelines, 2015. Collection method: clinical testing. Allele origin: germline.

Mayo Clinic Laboratories, Mayo Clinic
Classification: Benign. Last evaluated: 2023-10-04. Review status: criteria provided, single submitter. Criteria: ACMG Guidelines, 2015. Collection method: clinical testing. Allele origin: germline. Observed: 12 variant alleles.
Comment: BS1, BS2, BP4, BP7

Genetic Services Laboratory, University of Chicago
Classification: Benign. Last evaluated: 2020-05-15. Review status: criteria provided, single submitter. Criteria: ACMG Guidelines, 2015. Collection method: clinical testing. Allele origin: germline. Affected: no.

Illumina Laboratory Services, Illumina
Classification: Benign for Combined immunodeficiency due to DOCK8 deficiency. Last evaluated: 2018-01-12. Review status: criteria provided, single submitter. Criteria: ICSL Variant Classification Criteria 13 December 2019. Collection method: clinical testing. Allele origin: germline.
Comment: This variant was observed in the ICSL laboratory as part of a predisposition screen in an ostensibly healthy population. It had not been previously curated by ICSL or reported in the Human Gene Mutation Database (HGMD: prior to June 1st, 2018), and was therefore a candidate for classification through an automated scoring system. Utilizing variant allele frequency, disease prevalence and penetrance estimates, and inheritance mode, an automated score was calculated to assess if this variant is too frequent to cause the disease. Based on the score and internal cut-off values, a variant classified as benign is not then subjected to further curation. The score for this variant resulted in a classification of benign for this disease.

GeneDx
Classification: Benign. Last evaluated: 2015-03-03. Review status: criteria provided, single submitter. Criteria: GeneDx Variant Classification Process June 2021. Collection method: clinical testing. Allele origin: germline. Affected: yes.

Laboratory for Molecular Medicine, Mass General Brigham Personalized Medicine
Classification: Benign. Last evaluated: 2013-02-21. Review status: criteria provided, single submitter. Criteria: LMM Criteria. Collection method: clinical testing. Allele origin: germline. Observed: 2 variant alleles.
Comment: Pro954Pro in exon 23 of DOCK8: This variant is not expected to have clinical sig nificance because it does not alter an amino acid residue and is not located wit hin the splice consensus sequence. It has been identified in 1.0% (83/8600) of E uropean American chromosomes from a broad population by the NHLBI Exome Sequenci ng Project (dbSNP rs117610764).

Breakthrough Genomics
Classification: Benign. Review status: criteria provided, single submitter. Criteria: ACMG Guidelines, 2015. Collection method: not provided. Allele origin: germline. Inheritance: Autosomal recessive inheritance. Affected: yes.

NM_203447.4(DOCK8):c.2862A>T (p.Pro954=)

Gene: DOCK8 (dedicator of cytokinesis 8; plus strand). Cytogenetic location: 9p24.3.
Variant type: single nucleotide variant.
Coding change: c.2862A>T on transcript NM_203447.4 (MANE Select); coding-DNA position 2862, A replaced by T.
Protein change: p.Pro954=; no amino-acid change (proline 954 retained).
Molecular consequence: synonymous variant. On other transcripts: intron variant (1).
Genome position (GRCh38, 1-based): chr9:386,414, A>T. VCF-style: chr9-386414-A-T. GRCh37 (hg19) VCF-style: chr9-386414-A-T.
Other names: p.Pro954=; c.2658A>T, p.Pro886= (NM_001193536.2); c.2574+3729A>T (NM_001190458.2).
Identifiers: ClinVar variation 366955 (VCV000366955.28), dbSNP rs117610764, ClinGen allele CA4958377.